The following is an entry in ClinVar:

NM_004541.4(NDUFA1):c.102+7C>T

Genes: NDUFA1 (NADH:ubiquinone oxidoreductase subunit A1; plus strand), LOC130068621 (ATAC-STARR-seq lymphoblastoid active region 29902; plus strand). Cytogenetic location: Xq24.
Variant type: single nucleotide variant.
Coding change: c.102+7C>T on transcript NM_004541.4 (MANE Select); 7 bases into the intron after coding-DNA position 102, C replaced by T.
Molecular consequence: intron variant.
Genome position (GRCh38, 1-based): chrX:119,872,020, C>T. VCF-style: chrX-119872020-C-T. GRCh37 (hg19) VCF-style: chrX-119005983-C-T.
Identifiers: ClinVar variation 2078853 (VCV002078853.18), dbSNP rs757847978, ClinGen allele CA10503536.
Genomic context (GRCh38, chrX:119,872,020, plus strand): 5'-TTGATTCCAGGACTGGCTACTGCGTACATCCACAGGTTCACTAACGGGGGCAAGGTAAGC[C>T]GGCTTCGGCCCGGGGGCCGACTCCACGGGCTGATTTCCGAAAAGGGTGGTGGGCAGGGAG-3'

ClinVar aggregate classification (germline): Likely benign. Review status: criteria provided, multiple submitters, no conflicts (2 of 4 stars). 2 submissions from 2 submitters: Likely benign (2). Last evaluated 2024-11-01.

Allele frequency attached by ClinVar (database versions not stated): gnomAD exomes below 0.00001; ExAC 0.00001.
gnomAD v4.1: 1 of 1,207,278 alleles (0.000083%); highest among the groups gnomAD compares: African/African-American, 0.0017%; no homozygotes.

Submissions (2):

CeGaT Center for Human Genetics Tuebingen
Classification: Likely benign. Last evaluated: 2024-11-01. Review status: criteria provided, single submitter. Criteria: CeGaT Center For Human Genetics Tuebingen Variant Classification Criteria Version 2. Collection method: clinical testing. Allele origin: germline. Affected: yes. Observed: 1 variant allele.
Comment: NDUFA1: BP4

Labcorp Genetics (formerly Invitae), Labcorp
Classification: Likely benign. Last evaluated: 2023-10-03. Review status: criteria provided, single submitter. Criteria: Invitae Variant Classification Sherloc (09022015). Collection method: clinical testing. Allele origin: germline.